The following is an entry in ClinVar:

NM_001429.4(EP300):c.4340T>G (p.Ile1447Ser)

Gene: EP300 (EP300 lysine acetyltransferase; plus strand). Cytogenetic location: 22q13.2.
Variant type: single nucleotide variant.
Coding change: c.4340T>G on transcript NM_001429.4 (MANE Select); coding-DNA position 4340, T replaced by G.
Protein change: p.Ile1447Ser; replaces isoleucine 1447 with serine.
Molecular consequence: missense variant.
Genome position (GRCh38, 1-based): chr22:41,170,459, T>G. VCF-style: chr22-41170459-T-G. GRCh37 (hg19) VCF-style: chr22-41566463-T-G.
Other names: c.4262T>G, p.Ile1421Ser (NM_001362843.2); short protein forms I1421S, I1447S.
Identifiers: ClinVar variation 1687605 (VCV001687605.1), dbSNP rs2145766562, ClinGen allele CA411702147.

ClinVar aggregate classification (germline): Uncertain significance (1 of 4 stars; one submission).

Conditions:
Rubinstein-Taybi syndrome due to EP300 haploinsufficiency. Also called: EP300-Related Rubinstein-Taybi Syndrome; RUBINSTEIN-TAYBI SYNDROME 2. Identifiers: Orphanet 353284, Orphanet 783, MedGen C3150941, MONDO:0013364, OMIM 613684.

Submission:

3billion
Classification: Uncertain significance for Rubinstein-Taybi syndrome due to EP300 haploinsufficiency. Last evaluated: 2022-05-22. Review status: criteria provided, single submitter. Criteria: ACMG Guidelines, 2015. Collection method: clinical testing. Allele origin: germline. Affected: yes. Observed: 1 heterozygote.
Comment: The variant is not observed in the gnomAD v2.1.1 dataset. In silico tool predictions suggest damaging effect of the variant on gene or gene product (REVEL: 0.98; 3Cnet: 1.00). Therefore, this variant is classified as uncertain significanceaccording to the recommendation of ACMG/AMP guideline.